The following is an entry in ClinVar:

NM_001018005.2(TPM1):c.564-5A>G

Gene: TPM1 (tropomyosin 1; plus strand). Cytogenetic location: 15q22.2.
Variant type: single nucleotide variant.
Coding change: c.564-5A>G on transcript NM_001018005.2 (MANE Select); 5 bases into the intron before coding-DNA position 564, A replaced by G.
Molecular consequence: intron variant.
Genome position (GRCh38, 1-based): chr15:63,061,708, A>G. VCF-style: chr15-63061708-A-G. GRCh37 (hg19) VCF-style: chr15-63353907-A-G.
Other names: c.639+435A>G (NM_001018006.2, NM_000366.6, NM_001018020.2); c.564-5A>G (NM_001365776.1, NM_001018004.2, NM_001301244.2 and 3 more transcripts); c.531+435A>G (NM_001330351.2, NM_001330344.2, NM_001365781.2); c.456-5A>G (NM_001018008.2, NM_001301289.2, NM_001365782.1 and 2 more transcripts); c.690-5A>G (NM_001365778.1).
Identifiers: ClinVar variation 704929 (VCV000704929.17), dbSNP rs550286836, ClinGen allele CA030850.

ClinVar aggregate classification (germline): Conflicting classifications of pathogenicity. Review status: criteria provided, conflicting classifications (1 of 4 stars). 4 submissions from 4 submitters: Uncertain significance (1); Likely benign (3). Last evaluated 2025-09-22.

Conditions:
Hypertrophic cardiomyopathy. Also called: HYPERTROPHIC MYOCARDIOPATHY. Identifiers: Orphanet 217569, MedGen C0007194, MeSH D002312, MONDO:0005045, HP:0001639.
Cardiovascular phenotype. Identifiers: MedGen CN230736.
Cardiomyopathy (CMYO). Also called: Cardiomyopathies. Identifiers: Orphanet 167848, MedGen C0878544, MONDO:0004994, HP:0001638. Inheritance: Various modes of inheritance.

Allele frequency attached by ClinVar (database versions not stated): gnomAD exomes 0.00001 and 0.00002; ExAC 0.00002; gnomAD 0.00002 and 0.00003; TOPMed 0.00002; 1000 Genomes Project 30x 0.00016; 1000 Genomes Project 0.00020.
gnomAD v4.1: 14 of 1,613,976 alleles (0.00087%); highest among the groups gnomAD compares: African/African-American, 0.011%; no homozygotes.

Submissions (4):

Labcorp Genetics (formerly Invitae), Labcorp
Classification: Likely benign for Hypertrophic cardiomyopathy. Last evaluated: 2025-09-22. Review status: criteria provided, single submitter. Criteria: Invitae Variant Classification Sherloc (09022015). Collection method: clinical testing. Allele origin: germline.

Ambry Genetics
Classification: Uncertain significance for Cardiovascular phenotype. Last evaluated: 2024-07-30. Review status: criteria provided, single submitter. Criteria: Ambry Variant Classification Scheme 2023. Collection method: clinical testing. Allele origin: germline.
Comment: The c.564-5A>G intronic variant results from an A to G substitution 5 nucleotides upstream from coding exon 6 in the TPM1 gene. This alteration was reported in an individual with dilated cardiomyopathy (DCM) who also had variants in other cardiac-related genes (Pugh TJ et al. Genet Med, 2014 Aug;16:601-8). This nucleotide position is not well conserved in available vertebrate species. In silico splice site analysis predicts that this alteration will not have any significant effect on splicing. Based on the available evidence, the clinical significance of this variant remains unclear.

All of Us Research Program, National Institutes of Health
Classification: Likely benign for Hypertrophic cardiomyopathy. Last evaluated: 2024-07-20. Review status: criteria provided, single submitter. Criteria: ACMG Guidelines, 2015. Collection method: clinical testing. Allele origin: germline. Inheritance: Autosomal dominant inheritance. Observed: 1 variant allele, 1 heterozygote.
Comment: This study involves interpretation of variants in research participants for the purpose of population health screening. Participant phenotype was not available at the time of variant classification. Additional details can be found in publication PMID: 35346344, PMCID: PMC8962531

Color Diagnostics, LLC DBA Color Health
Classification: Likely benign for Cardiomyopathy. Last evaluated: 2019-09-30. Review status: criteria provided, single submitter. Criteria: ACMG Guidelines, 2015. Collection method: clinical testing. Allele origin: germline.

Literature cited by the submitters: PubMed 24503780 (cited by Ambry Genetics).